The following is an entry in ClinVar:

ClinVar aggregate classification (germline): Pathogenic (1 of 4 stars; one submission).

Conditions:
Cerebral creatine deficiency syndrome. Also called: Creatine deficiency syndromes. Identifiers: Orphanet 79172, MedGen C5244016, MONDO:0000456.

Submission:

Labcorp Genetics (formerly Invitae), Labcorp
Classification: Pathogenic for Cerebral creatine deficiency syndrome. Last evaluated: 2024-02-05. Review status: criteria provided, single submitter. Criteria: Invitae Variant Classification Sherloc (09022015). Collection method: clinical testing. Allele origin: germline.
Comment: This sequence change creates a premature translational stop signal (p.Thr167Tyrfs*24) in the GAMT gene. While this is not anticipated to result in nonsense mediated decay, it is expected to disrupt the last 70 amino acid(s) of the GAMT protein. This variant is not present in population databases (gnomAD no frequency). This variant has not been reported in the literature in individuals affected with GAMT-related conditions. This variant disrupts a region of the GAMT protein in which other variant(s) (p.Gln193*) have been determined to be pathogenic (PMID: 23234264, 31130284; Invitae). This suggests that this is a clinically significant region of the protein, and that variants that disrupt it are likely to be disease-causing. For these reasons, this variant has been classified as Pathogenic.

Literature cited by the submitters: PubMed 23234264; PubMed 31130284.

NM_000156.6(GAMT):c.498_499insT (p.Thr167fs)

Gene: GAMT (guanidinoacetate N-methyltransferase; minus strand). Cytogenetic location: 19p13.3.
Variant type: Insertion.
Coding change: c.498_499insT on transcript NM_000156.6 (MANE Select); coding-DNA positions 498 to 499, T inserted.
Protein change: p.Thr167fs; shifts the reading frame from threonine 167.
Molecular consequence: frameshift variant.
Genome position: GRCh38 VCF-style: chr19-1398987-T-TA. GRCh37 (hg19) VCF-style: chr19-1398986-T-TA.
Other names: c.498_499insT, p.Thr167fs (NM_138924.3); short protein forms T167fs.
Identifiers: ClinVar variation 3638956 (VCV003638956.2).